The following is an entry in ClinVar:

ClinVar aggregate classification (germline): Pathogenic (1 of 4 stars; one submission).

Conditions:
Hereditary breast ovarian cancer syndrome. Also called: Hereditary breast and ovarian cancer syndrome; Hereditary breast and ovarian cancer; BRCA1- and BRCA2-Associated Hereditary Breast and Ovarian Cancer; Hereditary breast and/or ovarian cancer syndrome; Hereditary breast and ovarian cancer syndrome (HBOC); Breast and ovarian cancer. Identifiers: Orphanet 145, MedGen C0677776, MeSH D061325, MONDO:0003582. Disease mechanism: loss of function.

Submission:

Labcorp Genetics (formerly Invitae), Labcorp
Classification: Pathogenic for Hereditary breast ovarian cancer syndrome. Last evaluated: 2021-04-01. Review status: criteria provided, single submitter. Criteria: Invitae Variant Classification Sherloc (09022015). Collection method: clinical testing. Allele origin: germline.
Comment: For these reasons, this variant has been classified as Pathogenic. This variant disrupts the C-terminus of the BRCA1 protein. Other variant(s) that disrupt this region (p.Tyr1853*) have been determined to be pathogenic (PMID: 24504028, 20104584, 21922593, 10811118, 11739404, 12400015). This suggests that variants that disrupt this region of the protein are likely to be causative of disease. This variant has not been reported in the literature in individuals with BRCA1-related conditions. This variant is not present in population databases (ExAC no frequency). This sequence change creates a premature translational stop signal (p.Leu1839Trpfs*4) in the BRCA1 gene. While this is not anticipated to result in nonsense mediated decay, it is expected to disrupt the last 25 amino acid(s) of the BRCA1 protein.

Literature cited by the submitters: PubMed 24504028; PubMed 20104584; PubMed 21922593; PubMed 10811118; PubMed 11739404; PubMed 12400015.

NM_007294.4(BRCA1):c.5514del (p.Leu1839fs)

Gene: BRCA1 (BRCA1 DNA repair associated; minus strand). Cytogenetic location: 17q21.31.
Variant type: Deletion.
Coding change: c.5514del on transcript NM_007294.4 (MANE Select); coding-DNA position 5514, one base deleted (G; older notation c.5514delG).
Protein change: p.Leu1839fs; shifts the reading frame from leucine 1839.
Molecular consequence: frameshift variant. On other transcripts: 3 prime UTR variant (1), non-coding transcript variant (1).
Genome position (GRCh38, 1-based): chr17:43,045,756, C deleted on the plus strand (G on the coding strand, the reverse complement: BRCA1 is on the minus strand). VCF-style (leftmost placement, unchanged base first): chr17-43045755-AC-A. GRCh37 (hg19) VCF-style: chr17-41197772-AC-A.
Other names: c.2061delG, p.Leu688Trpfs (NM_001408459.1, NM_001408460.1, NM_001408461.1 and 7 more transcripts); c.2058delG, p.Leu687Trpfs (NM_001408468.1, NM_001408469.1, NM_001408470.1); c.*28delG (NM_001408472.1, NM_001408473.1, NM_001407854.1 and 13 more transcripts); c.2004delG, p.Leu669Trpfs (NM_001408474.1); c.2001delG, p.Leu668Trpfs (NM_001408475.1, NM_001408476.1); c.1992delG, p.Leu665Trpfs (NM_001408491.1, NM_001408481.1, NM_001408482.1 and 5 more transcripts); c.1989delG, p.Leu664Trpfs (NM_001408492.1, NM_001408493.1); c.1965delG, p.Leu656Trpfs (NM_001408494.1); and 77 more; short protein forms L1792fs, L1860fs, L1839fs, L735fs.
Identifiers: ClinVar variation 1389584 (VCV001389584.9), dbSNP rs2152544961, ClinGen allele CA2573153993.